The following is an entry in ClinVar:

NM_001378778.1(MPDZ):c.3860C>A (p.Ser1287Ter)

Gene: MPDZ (multiple PDZ domain crumbs cell polarity complex component; minus strand). Cytogenetic location: 9p23.
Variant type: single nucleotide variant.
Coding change: c.3860C>A on transcript NM_001378778.1 (MANE Select); coding-DNA position 3860, C replaced by A.
Protein change: p.Ser1287Ter; replaces serine 1287 with a stop codon.
Molecular consequence: nonsense.
Genome position (GRCh38, 1-based): chr9:13,140,130, G>T on the plus strand (C>A on the coding strand, the complement: MPDZ is on the minus strand). VCF-style: chr9-13140130-G-T. GRCh37 (hg19) VCF-style: chr9-13140129-G-T.
Other names: c.3761C>A, p.Ser1254Ter (NM_001261406.2, NM_001261407.2, NM_001375416.1 and 3 more transcripts); c.3860C>A, p.Ser1287Ter (NM_001330637.2, NM_001375413.1, NM_003829.5); c.3650C>A, p.Ser1217Ter (NM_001375420.1, NM_001375421.1, NM_001375422.1 and 4 more transcripts); c.3452C>A, p.Ser1151Ter (NM_001375427.1); short protein forms S1217*, S1151*, S1287*, S1254*.
Identifiers: ClinVar variation 2250146 (VCV002250146.2), dbSNP rs1223873838, ClinGen allele CA372949755.

ClinVar aggregate classification (germline): Pathogenic (1 of 4 stars; one submission).

Conditions:
Inborn genetic diseases. Identifiers: MedGen C0950123, MeSH D030342.

Submission:

Ambry Genetics
Classification: Pathogenic for Inborn genetic diseases. Last evaluated: 2021-10-29. Review status: criteria provided, single submitter. Criteria: Ambry Variant Classification Scheme 2023. Collection method: clinical testing. Allele origin: germline.
Comment: The c.3860C>A (p.S1287*) alteration, located in exon 27 (coding exon 27) of the MPDZ gene, consists of a C to A substitution at nucleotide position 3860. This changes the amino acid from a serine (S) to a stop codon at amino acid position 1287. This alteration is expected to result in loss of function by premature protein truncation or nonsense-mediated mRNA decay. This allele was reported in one heterozygous individual in population-based cohorts in the Genome Aggregation Database (gnomAD). Based on the available evidence, this alteration is classified as pathogenic.